The following is an entry in ClinVar:

NM_000093.5(COL5A1):c.508C>G (p.Leu170Val)

Gene: COL5A1 (collagen type V alpha 1 chain; plus strand). Cytogenetic location: 9q34.3.
Variant type: single nucleotide variant.
Coding change: c.508C>G on transcript NM_000093.5 (MANE Select); coding-DNA position 508, C replaced by G.
Protein change: p.Leu170Val; replaces leucine 170 with valine.
Molecular consequence: missense variant.
Genome position (GRCh38, 1-based): chr9:134,701,187, C>G. VCF-style: chr9-134701187-C-G. GRCh37 (hg19) VCF-style: chr9-137593033-C-G.
Other names: c.508C>G, p.Leu170Val (NM_001278074.1); short protein forms L170V.
Identifiers: ClinVar variation 841126 (VCV000841126.14), dbSNP rs188120737, ClinGen allele CA5318337.

ClinVar aggregate classification (germline): Conflicting classifications of pathogenicity. Review status: criteria provided, conflicting classifications (1 of 4 stars). 3 submissions from 3 submitters: Uncertain significance (2); Benign (1). Last evaluated 2025-12-04.

Conditions:
Ehlers-Danlos syndrome, classic type, 1 (EDSCL1). Also called: Ehlers-Danlos syndrome, type 1; Ehlers-Danlos Syndrome, Classic Type, COL5A1-Related; EDS I; EHLERS-DANLOS SYNDROME, GRAVIS TYPE; EHLERS-DANLOS SYNDROME, SEVERE CLASSIC TYPE. Identifiers: MedGen C0268335, MONDO:0019567, OMIM 130000.

Allele frequency attached by ClinVar (database versions not stated): gnomAD exomes 0.00001; gnomAD 0.00001; 1000 Genomes Project 30x 0.00016; TOPMed below 0.00001; ExAC 0.00001; 1000 Genomes Project 0.00020.
gnomAD v4.1: 27 of 1,613,954 alleles (0.0017%); highest among the groups gnomAD compares: Non-Finnish European, 0.0022%; no homozygotes.

Submissions (3):

GeneDx
Classification: Uncertain significance. Last evaluated: 2025-12-04. Review status: criteria provided, single submitter. Criteria: GeneDx Variant Classification Process June 2021. Collection method: clinical testing. Allele origin: germline. Affected: yes.
Comment: Has not been previously published as pathogenic or benign to our knowledge; Not observed at significant frequency in large population cohorts (gnomAD); Not located in the triple helical region, where the majority of pathogenic missense variants occur (PMID: 22696272; HGMD); In silico analysis supports that this missense variant does not alter protein structure/function; This variant is associated with the following publications: (PMID: 22696272)

Labcorp Genetics (formerly Invitae), Labcorp
Classification: Benign for Ehlers-Danlos syndrome, classic type, 1. Last evaluated: 2025-11-23. Review status: criteria provided, single submitter. Criteria: Invitae Variant Classification Sherloc (09022015). Collection method: clinical testing. Allele origin: germline.

ARUP Laboratories, Molecular Genetics and Genomics, ARUP Laboratories
Classification: Uncertain significance. Last evaluated: 2025-03-12. Review status: criteria provided, single submitter. Criteria: ARUP Molecular Germline Variant Investigation Process 2024. Collection method: clinical testing. Allele origin: germline.
Comment: The COL5A1 c.508C>G; p.Leu170Val variant (rs188120737), to our knowledge, is not reported in the medical literature but is reported in ClinVar (Variation ID: 841126). This variant is observed in the general population with an overall allele frequency of 0.001% (3/250484 alleles) in the Genome Aggregation Database (v2.1.1). Computational analyses predict that this variant is neutral (REVEL: 0.126). Due to limited information, the clinical significance of this variant is uncertain at this time.